The following is an entry in ClinVar:

NM_006231.4(POLE):c.5145_5146inv (p.Glu1715_Ile1716delinsAspLeu)

Gene: POLE (DNA polymerase epsilon, catalytic subunit; minus strand). Cytogenetic location: 12q24.33.
Variant type: Inversion.
Coding change: c.5145_5146inv on transcript NM_006231.4 (MANE Select).
Protein change: p.Glu1715_Ile1716delinsAspLeu.
Molecular consequence: missense variant.
Genome position: GRCh38 VCF-style: chr12-132642204-TC-GA. GRCh37 (hg19) VCF-style: chr12-133218790-TC-GA.
Identifiers: ClinVar variation 2821821 (VCV002821821.3), ClinGen allele CA2739277449.
Genomic context (GRCh38, chr12:132,642,204, plus strand): 5'-GGTCTCATGGGCCTCGTCCTCCCGCCCACTTACCTGTGGAGTAACAGCCTGAACTGTTGA[TC>GA]TCAACAGTGGCTTGGTCATCGAACTCCATGACAAGACAGTTGTCATCAGCCTCCTTTCCA-3'

ClinVar aggregate classification (germline): Uncertain significance (1 of 4 stars; one submission).

Submission:

Labcorp Genetics (formerly Invitae), Labcorp
Classification: Uncertain significance. Last evaluated: 2023-07-25. Review status: criteria provided, single submitter. Criteria: Invitae Variant Classification Sherloc (09022015). Collection method: clinical testing. Allele origin: germline.
Comment: Experimental studies and prediction algorithms are not available or were not evaluated, and the functional significance of this variant is currently unknown. In summary, the available evidence is currently insufficient to determine the role of this variant in disease. Therefore, it has been classified as a Variant of Uncertain Significance. This variant, c.5145_5146delinsTC, is a complex sequence change that results in the deletion of 2 and insertion of 2 amino acid(s) in the POLE protein (p.Glu1715_Ile1716delinsAspLeu). Information on the frequency of this variant in the gnomAD database is not available, as this variant may be reported differently in the database. This variant has not been reported in the literature in individuals affected with POLE-related conditions.